The following is an entry in ClinVar:

NM_001378609.3(OTOGL):c.3919G>A (p.Ala1307Thr)

Gene: OTOGL (otogelin like; plus strand). Cytogenetic location: 12q21.31.
Variant type: single nucleotide variant.
Coding change: c.3919G>A on transcript NM_001378609.3 (MANE Select); coding-DNA position 3919, G replaced by A.
Protein change: p.Ala1307Thr; replaces alanine 1307 with threonine.
Molecular consequence: missense variant.
Genome position (GRCh38, 1-based): chr12:80,320,538, G>A. VCF-style: chr12-80320538-G-A. GRCh37 (hg19) VCF-style: chr12-80714318-G-A.
Other names: c.3784G>A, p.Ala1262Thr (NM_001368062.3); c.3919G>A, p.Ala1307Thr (NM_001378610.3, NM_173591.7); short protein forms A1262T, A1307T.
Identifiers: ClinVar variation 1357113 (VCV001357113.5), dbSNP rs373160033, ClinGen allele CA6701212.

ClinVar aggregate classification (germline): Uncertain significance (1 of 4 stars; one submission).

Allele frequency attached by ClinVar (database versions not stated): gnomAD 0.00003; TOPMed 0.00002; gnomAD exomes 0.00002; ExAC 0.00002; ESP Exome Variant Server 0.00008.
gnomAD v4.1: 47 of 1,613,506 alleles (0.0029%); highest among the groups gnomAD compares: Middle Eastern, 0.016%; no homozygotes.

Submission:

Labcorp Genetics (formerly Invitae), Labcorp
Classification: Uncertain significance. Last evaluated: 2024-04-17. Review status: criteria provided, single submitter. Criteria: Invitae Variant Classification Sherloc (09022015). Collection method: clinical testing. Allele origin: germline.
Comment: This sequence change replaces alanine, which is neutral and non-polar, with threonine, which is neutral and polar, at codon 1298 of the OTOGL protein (p.Ala1298Thr). This variant is present in population databases (rs373160033, gnomAD 0.004%). This variant has not been reported in the literature in individuals affected with OTOGL-related conditions. ClinVar contains an entry for this variant (Variation ID: 1357113). An algorithm developed to predict the effect of missense changes on protein structure and function (PolyPhen-2) suggests that this variant is likely to be disruptive. In summary, the available evidence is currently insufficient to determine the role of this variant in disease. Therefore, it has been classified as a Variant of Uncertain Significance.